The following is an entry in ClinVar:

ClinVar aggregate classification (germline): Uncertain significance. Review status: criteria provided, multiple submitters, no conflicts (2 of 4 stars). 2 submissions from 2 submitters: Uncertain significance (2). Last evaluated 2023-11-09.

Allele frequency attached by ClinVar (database versions not stated): gnomAD 0.00002; TOPMed 0.00001; ExAC 0.00002.

Submissions (2):

Ambry Genetics
Classification: Uncertain significance. Last evaluated: 2023-11-09. Review status: criteria provided, single submitter. Criteria: Ambry Variant Classification Scheme 2023. Collection method: clinical testing. Allele origin: germline.

Labcorp Genetics (formerly Invitae), Labcorp
Classification: Uncertain significance. Last evaluated: 2023-01-18. Review status: criteria provided, single submitter. Criteria: Invitae Variant Classification Sherloc (09022015). Collection method: clinical testing. Allele origin: germline.
Comment: This variant has not been reported in the literature in individuals affected with TNFRSF6B-related conditions. The frequency data for this variant in the population databases is considered unreliable, as metrics indicate poor data quality at this position in the gnomAD database. This sequence change replaces glycine, which is neutral and non-polar, with glutamic acid, which is acidic and polar, at codon 270 of the TNFRSF6B protein (p.Gly270Glu). Algorithms developed to predict the effect of missense changes on protein structure and function output the following: SIFT: "Deleterious"; PolyPhen-2: "Benign"; Align-GVGD: "Class C0". The glutamic acid amino acid residue is found in multiple mammalian species, which suggests that this missense change does not adversely affect protein function. In summary, the available evidence is currently insufficient to determine the role of this variant in disease. Therefore, it has been classified as a Variant of Uncertain Significance.

NM_003823.4(TNFRSF6B):c.809G>A (p.Gly270Glu)

Genes: RTEL1-TNFRSF6B (RTEL1-TNFRSF6B readthrough (NMD candidate); plus strand), TNFRSF6B (TNF receptor superfamily member 6b; plus strand). Cytogenetic location: 20q13.33.
Variant type: single nucleotide variant.
Coding change: c.809G>A on transcript NM_003823.4 (MANE Select); coding-DNA position 809, G replaced by A.
Protein change: p.Gly270Glu; replaces glycine 270 with glutamic acid.
Molecular consequence: missense variant. On other transcripts: non-coding transcript variant (1).
Genome position (GRCh38, 1-based): chr20:63,698,469, G>A. VCF-style: chr20-63698469-G-A. GRCh37 (hg19) VCF-style: chr20-62329822-G-A.
Other names: short protein forms G270E.
Identifiers: ClinVar variation 1948641 (VCV001948641.6), dbSNP rs768570665, ClinGen allele CA9966623.